The following is an entry in ClinVar:

NM_002336.3(LRP6):c.2711G>A (p.Cys904Tyr)

Gene: LRP6 (LDL receptor related protein 6; minus strand). Cytogenetic location: 12p13.2.
Variant type: single nucleotide variant.
Coding change: c.2711G>A on transcript NM_002336.3 (MANE Select); coding-DNA position 2711, G replaced by A.
Protein change: p.Cys904Tyr; replaces cysteine 904 with tyrosine.
Molecular consequence: missense variant. On other transcripts: non-coding transcript variant (1).
Genome position (GRCh38, 1-based): chr12:12,158,909, C>T on the plus strand (G>A on the coding strand, the complement: LRP6 is on the minus strand). VCF-style: chr12-12158909-C-T. GRCh37 (hg19) VCF-style: chr12-12311843-C-T.
Other names: c.2711G>A, p.Cys904Tyr (NM_001414244.1, NM_001414245.1, NM_001414246.1 and 4 more transcripts); c.2513G>A, p.Cys838Tyr (NM_001414247.1); c.2258G>A, p.Cys753Tyr (NM_001414252.1, NM_001414253.1, NM_001414254.1); c.2204G>A, p.Cys735Tyr (NM_001414255.1); short protein forms C838Y, C753Y, C904Y, C735Y.
Identifiers: ClinVar variation 3120321 (VCV003120321.1), dbSNP rs2498824632, ClinGen allele CA383943752.

ClinVar aggregate classification (germline): Uncertain significance (1 of 4 stars; one submission).

Conditions:
Inborn genetic diseases. Identifiers: MedGen C0950123, MeSH D030342.

Submission:

Ambry Genetics
Classification: Uncertain significance for Inborn genetic diseases. Last evaluated: 2023-10-17. Review status: criteria provided, single submitter. Criteria: Ambry Variant Classification Scheme 2023. Collection method: clinical testing. Allele origin: germline.
Comment: The c.2711G>A (p.C904Y) alteration is located in exon 12 (coding exon 12) of the LRP6 gene. This alteration results from a G to A substitution at nucleotide position 2711, causing the cysteine (C) at amino acid position 904 to be replaced by a tyrosine (Y). This variant was not reported in population-based cohorts in the Genome Aggregation Database (gnomAD). This amino acid position is highly conserved in available vertebrate species. This alteration is predicted to be deleterious by in silico analysis. Based on insufficient or conflicting evidence, the clinical significance of this alteration remains unclear.